The following is an entry in ClinVar:

NM_014339.7(IL17RA):c.2486C>T (p.Ser829Phe)

Gene: IL17RA (interleukin 17 receptor A; plus strand). Cytogenetic location: 22q11.1.
Variant type: single nucleotide variant.
Coding change: c.2486C>T on transcript NM_014339.7 (MANE Select); coding-DNA position 2486, C replaced by T.
Protein change: p.Ser829Phe; replaces serine 829 with phenylalanine.
Molecular consequence: missense variant.
Genome position (GRCh38, 1-based): chr22:17,109,705, C>T. VCF-style: chr22-17109705-C-T. GRCh37 (hg19) VCF-style: chr22-17590595-C-T.
Other names: c.2384C>T, p.Ser795Phe (NM_001289905.2); short protein forms S795F, S829F.
Identifiers: ClinVar variation 858437 (VCV000858437.1), dbSNP rs2061432498, ClinGen allele CA410222310.

ClinVar aggregate classification (germline): Uncertain significance (1 of 4 stars; one submission).

Conditions:
Immunodeficiency 51 (IMD51). Also called: CANDIDIASIS, FAMILIAL, 5. Identifiers: Orphanet 1334, MedGen C4310803, MONDO:0013500, OMIM 613953.

Allele frequency attached by ClinVar (database versions not stated): gnomAD 0.00001; TOPMed 0.00001.
gnomAD v4.1: 4 of 1,591,050 alleles (0.00025%); highest among the groups gnomAD compares: African/African-American, 0.0013%; no homozygotes.

Submission:

Labcorp Genetics (formerly Invitae), Labcorp
Classification: Uncertain significance for Immunodeficiency 51. Last evaluated: 2019-03-22. Review status: criteria provided, single submitter. Criteria: Invitae Variant Classification Sherloc (09022015). Collection method: clinical testing. Allele origin: germline.
Comment: This sequence change replaces serine with phenylalanine at codon 829 of the IL17RA protein (p.Ser829Phe). The serine residue is highly conserved and there is a large physicochemical difference between serine and phenylalanine. This variant is not present in population databases (ExAC no frequency). This variant has not been reported in the literature in individuals with IL17RA-related conditions. Algorithms developed to predict the effect of missense changes on protein structure and function are either unavailable or do not agree on the potential impact of this missense change (SIFT: "Tolerated"; PolyPhen-2: "Probably Damaging"; Align-GVGD: "Class C0"). In summary, the available evidence is currently insufficient to determine the role of this variant in disease. Therefore, it has been classified as a Variant of Uncertain Significance.